The following is an entry in ClinVar:

ClinVar aggregate classification (germline): Uncertain significance. Review status: criteria provided, multiple submitters, no conflicts (2 of 4 stars). 3 submissions from 3 submitters: Uncertain significance (3). Last evaluated 2025-08-25.

Conditions:
Hereditary cancer-predisposing syndrome. Also called: Tumor predisposition; Hereditary neoplastic syndrome; Neoplastic Syndromes, Hereditary; Hereditary Cancer Syndrome. Identifiers: Orphanet 140162, MedGen C0027672, MeSH D009386, MONDO:0015356.
Ataxia-telangiectasia syndrome (AT). Also called: ATAXIA-TELANGIECTASIA, COMPLEMENTATION GROUP A; ATAXIA-TELANGIECTASIA, FRESNO VARIANT; Ataxia-telangiectasia; Ataxia-telangiectasia, complementation group D; AT, COMPLEMENTATION GROUP C; Cerebello-oculocutaneous telangiectasia. Identifiers: Orphanet 100, MedGen C0004135, MONDO:0008840, OMIM 208900.
ATM-related cancer predisposition. Also called: ATM-related cancer susceptibility. Identifiers: MedGen CN377759, MONDO:0700270.

Submissions (3):

Labcorp Genetics (formerly Invitae), Labcorp
Classification: Uncertain significance for Ataxia-telangiectasia syndrome. Last evaluated: 2025-08-25. Review status: criteria provided, single submitter. Criteria: Invitae Variant Classification Sherloc (09022015). Collection method: clinical testing. Allele origin: germline.
Comment: This sequence change replaces alanine, which is neutral and non-polar, with serine, which is neutral and polar, at codon 886 of the ATM protein (p.Ala886Ser). This variant is not present in population databases (gnomAD no frequency). This variant has not been reported in the literature in individuals affected with ATM-related conditions. ClinVar contains an entry for this variant (Variation ID: 970550). Invitae Evidence Modeling of protein sequence and biophysical properties (such as structural, functional, and spatial information, amino acid conservation, physicochemical variation, residue mobility, and thermodynamic stability) indicates that this missense variant is not expected to disrupt ATM protein function with a negative predictive value of 95%. In summary, the available evidence is currently insufficient to determine the role of this variant in disease. Therefore, it has been classified as a Variant of Uncertain Significance.

Ambry Genetics
Classification: Uncertain significance for Hereditary cancer-predisposing syndrome. Last evaluated: 2025-06-23. Review status: criteria provided, single submitter. Criteria: Ambry Variant Classification Scheme 2023. Collection method: clinical testing. Allele origin: germline.
Comment: The p.A886S variant (also known as c.2656G>T), located in coding exon 17 of the ATM gene, results from a G to T substitution at nucleotide position 2656. The alanine at codon 886 is replaced by serine, an amino acid with similar properties. This amino acid position is well conserved in available vertebrate species. In addition, this alteration is predicted to be tolerated by in silico analysis. Since supporting evidence is limited at this time, the clinical significance of this alteration remains unclear.

Dasa
Classification: Uncertain significance for ATM-related cancer predisposition. Last evaluated: 2025-05-15. Review status: criteria provided, single submitter. Criteria: DASA Assertion Criteria. Collection method: clinical testing. Allele origin: germline.
Comment: NM_000051.4(ATM):c.2656G>T (p.Ala886Ser) is a missense variant that results in the substitution of alanine with serine. This variant is absent from population databases. Computational prediction algorithms are consistent with a benign effect. The currently available literature and clinical evidence are not sufficient to establish a definitive association between this variant and the reported condition. Therefore, this variant is classified as a variant of uncertain significance.

NM_000051.4(ATM):c.2656G>T (p.Ala886Ser)

Gene: ATM (ATM serine/threonine kinase; plus strand). Cytogenetic location: 11q22.3.
Variant type: single nucleotide variant.
Coding change: c.2656G>T on transcript NM_000051.4 (MANE Select); coding-DNA position 2656, G replaced by T.
Protein change: p.Ala886Ser; replaces alanine 886 with serine.
Molecular consequence: missense variant.
Genome position (GRCh38, 1-based): chr11:108,268,427, G>T. VCF-style: chr11-108268427-G-T. GRCh37 (hg19) VCF-style: chr11-108139154-G-T.
Other names: c.2656G>T, p.Ala886Ser (NM_001351834.2); short protein forms A886S.
Identifiers: ClinVar variation 970550 (VCV000970550.11), dbSNP rs575762025, ClinGen allele CA228407514.